The following is an entry in ClinVar:

ClinVar aggregate classification (germline): Uncertain significance. Review status: criteria provided, multiple submitters, no conflicts (2 of 4 stars). 6 submissions from 6 submitters: Uncertain significance (5). 1 of the submissions does not count toward it. Last evaluated 2026-01-08.

Conditions:
Inborn genetic diseases. Identifiers: MedGen C0950123, MeSH D030342.
POMP-related disorder. Also called: POMP-related condition.

Allele frequency attached by ClinVar (database versions not stated): 1000 Genomes Project 30x 0.00016; 1000 Genomes Project 0.00020; ExAC 0.00027; gnomAD 0.00038; TOPMed 0.00039; ESP Exome Variant Server 0.00062.
gnomAD v4.1: 1,338 of 1,612,556 alleles (0.083%); highest among the groups gnomAD compares: Non-Finnish European, 0.11%; no homozygotes.

Submissions (6):

Labcorp Genetics (formerly Invitae), Labcorp
Classification: Uncertain significance. Last evaluated: 2026-01-08. Review status: criteria provided, single submitter. Criteria: Invitae Variant Classification Sherloc (09022015). Collection method: clinical testing. Allele origin: germline.
Comment: This sequence change replaces histidine, which is basic and polar, with proline, which is neutral and non-polar, at codon 28 of the POMP protein (p.His28Pro). This variant is present in population databases (rs140397494, gnomAD 0.06%). This variant has not been reported in the literature in individuals affected with POMP-related conditions. ClinVar contains an entry for this variant (Variation ID: 1449348). An algorithm developed to predict the effect of missense changes on protein structure and function (PolyPhen-2) suggests that this variant is likely to be tolerated. In summary, the available evidence is currently insufficient to determine the role of this variant in disease. Therefore, it has been classified as a Variant of Uncertain Significance.

Women's Health and Genetics/Laboratory Corporation of America, LabCorp
Classification: Uncertain significance. Last evaluated: 2025-12-02. Review status: criteria provided, single submitter. Criteria: LabCorp Variant Classification Summary - May 2015. Collection method: clinical testing. Allele origin: germline.
Comment: Variant summary: POMP c.83A>C (p.His28Pro) results in a non-conservative amino acid change in the encoded protein sequence. Algorithms developed to predict the effect of missense changes on protein structure and function are either unavailable or do not agree on the potential impact of this missense change. The variant allele was found at a frequency of 0.00029 in 251436 control chromosomes. This frequency is not significantly higher than estimated for disease-causing variants in POMP, allowing no conclusion about variant significance. To our knowledge, no occurrence of c.83A>C in individuals affected with POMP-related conditions and no experimental evidence demonstrating its impact on protein function have been reported. ClinVar contains an entry for this variant (Variation ID: 1449348). Based on the evidence outlined above, the variant was classified as uncertain significance.

Ambry Genetics
Classification: Uncertain significance for Inborn genetic diseases. Last evaluated: 2024-05-24. Review status: criteria provided, single submitter. Criteria: Ambry Variant Classification Scheme 2023. Collection method: clinical testing. Allele origin: germline.

GeneDx
Classification: Uncertain significance. Last evaluated: 2022-04-07. Review status: criteria provided, single submitter. Criteria: GeneDx Variant Classification Process June 2021. Collection method: clinical testing. Allele origin: germline. Affected: yes.
Comment: In silico analysis supports that this missense variant does not alter protein structure/function; Has not been previously published as pathogenic or benign to our knowledge

Breakthrough Genomics
Classification: Uncertain significance. Review status: criteria provided, single submitter. Criteria: ACMG Guidelines, 2015. Collection method: not provided. Allele origin: germline. Inheritance: Autosomal recessive inheritance. Affected: yes.

PreventionGenetics, part of Exact Sciences
Classification: Uncertain significance for POMP-related condition. Last evaluated: 2024-02-09. Review status: no assertion criteria provided. Collection method: clinical testing. Allele origin: germline. Not counted in ClinVar's aggregate classification.
Comment: The POMP c.83A>C variant is predicted to result in the amino acid substitution p.His28Pro. To our knowledge, this variant has not been reported in the literature. This variant is reported in 0.058% of alleles in individuals of European (Non-Finnish) descent in gnomAD, which is likely too common for an undocumented disease-causing variant. Although we suspect that this variant may be benign, at this time, the clinical significance of this variant is uncertain due to the absence of conclusive functional and genetic evidence.

NM_015932.6(POMP):c.83A>C (p.His28Pro)

Gene: POMP (proteasome maturation protein; plus strand). Cytogenetic location: 13q12.3.
Variant type: single nucleotide variant.
Coding change: c.83A>C on transcript NM_015932.6 (MANE Select); coding-DNA position 83, A replaced by C.
Protein change: p.His28Pro; replaces histidine 28 with proline.
Molecular consequence: missense variant.
Genome position (GRCh38, 1-based): chr13:28,662,489, A>C. VCF-style: chr13-28662489-A-C. GRCh37 (hg19) VCF-style: chr13-29236626-A-C.
Other names: short protein forms H28P.
Identifiers: ClinVar variation 1449348 (VCV001449348.13), dbSNP rs140397494, ClinGen allele CA6931003.